The following is an entry in ClinVar:

ClinVar aggregate classification (germline): Uncertain significance. Review status: criteria provided, multiple submitters, no conflicts (2 of 4 stars). 2 submissions from 2 submitters: Uncertain significance (2). Last evaluated 2023-12-05.

Submissions (2):

GeneDx
Classification: Uncertain significance. Last evaluated: 2023-12-05. Review status: criteria provided, single submitter. Criteria: GeneDx Variant Classification Process June 2021. Collection method: clinical testing. Allele origin: germline. Affected: yes.
Comment: Not observed at significant frequency in large population cohorts (gnomAD); In silico analysis supports that this missense variant has a deleterious effect on protein structure/function; Has not been previously published as pathogenic or benign to our knowledge

Labcorp Genetics (formerly Invitae), Labcorp
Classification: Uncertain significance. Last evaluated: 2022-12-03. Review status: criteria provided, single submitter. Criteria: Invitae Variant Classification Sherloc (09022015). Collection method: clinical testing. Allele origin: germline.
Comment: In summary, the available evidence is currently insufficient to determine the role of this variant in disease. Therefore, it has been classified as a Variant of Uncertain Significance. Advanced modeling of protein sequence and biophysical properties (such as structural, functional, and spatial information, amino acid conservation, physicochemical variation, residue mobility, and thermodynamic stability) performed at Invitae indicates that this missense variant is expected to disrupt RARS2 protein function. This variant has not been reported in the literature in individuals affected with RARS2-related conditions. This variant is not present in population databases (gnomAD no frequency). This sequence change replaces phenylalanine, which is neutral and non-polar, with serine, which is neutral and polar, at codon 377 of the RARS2 protein (p.Phe377Ser).

NM_020320.5(RARS2):c.1130T>C (p.Phe377Ser)

Gene: RARS2 (arginyl-tRNA synthetase 2, mitochondrial; minus strand). Cytogenetic location: 6q15.
Variant type: single nucleotide variant.
Coding change: c.1130T>C on transcript NM_020320.5 (MANE Select); coding-DNA position 1130, T replaced by C.
Protein change: p.Phe377Ser; replaces phenylalanine 377 with serine.
Molecular consequence: missense variant. On other transcripts: non-coding transcript variant (23).
Genome position (GRCh38, 1-based): chr6:87,519,690, A>G on the plus strand (T>C on the coding strand, the complement: RARS2 is on the minus strand). VCF-style: chr6-87519690-A-G. GRCh37 (hg19) VCF-style: chr6-88229408-A-G.
Other names: c.605T>C, p.Phe202Ser (NM_001318785.2, NM_001350506.2, NM_001350507.2 and 4 more transcripts); c.1130T>C, p.Phe377Ser (NM_001350505.2); c.1130T>C (NM_020320.3); short protein forms F202S, F377S.
Identifiers: ClinVar variation 2814789 (VCV002814789.4), dbSNP rs2483162942, ClinGen allele CA364924166.
Genomic context (GRCh38, chr6:87,519,690, plus strand): 5'-AAAACATCTTCCAGGAAAGTGACATCTCCTCTTCGAGTCTTCATTCCCTGTACTACTCCA[A>G]AGGGCACGTGCTGGCACCTAAAAGAGTGGGCATCTAGTTAACTGAAAGCTAAACAAGAGC-3'
Protein context (NP_064716.2, residues 367-387): DWAERCQHVP[Phe377Ser]GVVQGMKTRR